The following is an entry in ClinVar:

NM_001376.5(DYNC1H1):c.10951C>T (p.Arg3651Cys)

Gene: DYNC1H1 (dynein cytoplasmic 1 heavy chain 1; plus strand). Cytogenetic location: 14q32.31.
Variant type: single nucleotide variant.
Coding change: c.10951C>T on transcript NM_001376.5 (MANE Select); coding-DNA position 10951, C replaced by T.
Protein change: p.Arg3651Cys; replaces arginine 3651 with cysteine.
Molecular consequence: missense variant.
Genome position (GRCh38, 1-based): chr14:102,038,502, C>T. VCF-style: chr14-102038502-C-T. GRCh37 (hg19) VCF-style: chr14-102504839-C-T.
Other names: short protein forms R3651C.
Identifiers: ClinVar variation 1314805 (VCV001314805.2), dbSNP rs1306439035, ClinGen allele CA391031424.
Genomic context (GRCh38, chr14:102,038,502, plus strand): 5'-CACCCGTGTGGAATGCAGGATGTGGAAAGCTACGATCCAGTTTTGAACCCGGTGCTGAAC[C>T]GTGAAGTGCGGCGAACAGGGGGGAGAGTGCTGATCACTCTCGGGGACCAGGACATAGACC-3'
Protein context (NP_001367.2, residues 3641-3661): YDPVLNPVLN[Arg3651Cys]EVRRTGGRVL

ClinVar aggregate classification (germline): Uncertain significance (1 of 4 stars; one submission).

Submission:

GeneDx
Classification: Uncertain significance. Last evaluated: 2021-04-19. Review status: criteria provided, single submitter. Criteria: GeneDx Variant Classification Process June 2021. Collection method: clinical testing. Allele origin: germline. Affected: yes.
Comment: Not observed in large population cohorts (Lek et al., 2016); In silico analysis supports that this missense variant has a deleterious effect on protein structure/function